The following is an entry in ClinVar:

ClinVar aggregate classification (germline): Uncertain significance (1 of 4 stars; one submission).

Conditions:
3-hydroxyisobutyryl-CoA hydrolase deficiency. Also called: VALINE METABOLIC DEFECT; HIBCH DEFICIENCY; METHACRYLIC ACID TOXICITY; METHACRYLIC ACIDURIA; Reduced circulating 3-hydroxyisobutyryl-CoA hydrolase activity; Deficiency of 3-hydroxyisobutyryl CoA hydrolase. Identifiers: Orphanet 88639, MedGen C0342738, MONDO:0009603, OMIM 250620, HP:6000215.

Allele frequency attached by ClinVar (database versions not stated): TOPMed below 0.00001; gnomAD exomes 0.00001.
gnomAD v4.1: 7 of 1,609,632 alleles (0.00043%); highest among the groups gnomAD compares: Non-Finnish European, 0.00059%; no homozygotes.

Submission:

Labcorp Genetics (formerly Invitae), Labcorp
Classification: Uncertain significance for 3-hydroxyisobutyryl-CoA hydrolase deficiency. Last evaluated: 2021-12-19. Review status: criteria provided, single submitter. Criteria: Invitae Variant Classification Sherloc (09022015). Collection method: clinical testing. Allele origin: germline.
Comment: This variant is present in population databases (no rsID available, gnomAD 0.0009%). In summary, the available evidence is currently insufficient to determine the role of this variant in disease. Therefore, it has been classified as a Variant of Uncertain Significance. Algorithms developed to predict the effect of missense changes on protein structure and function output the following: SIFT: "Tolerated"; PolyPhen-2: "Benign"; Align-GVGD: "Class C0". The asparagine amino acid residue is found in multiple mammalian species, which suggests that this missense change does not adversely affect protein function. This variant has not been reported in the literature in individuals affected with HIBCH-related conditions. This sequence change replaces lysine, which is basic and polar, with asparagine, which is neutral and polar, at codon 108 of the HIBCH protein (p.Lys108Asn).

NM_014362.4(HIBCH):c.324G>T (p.Lys108Asn)

Gene: HIBCH (3-hydroxyisobutyryl-CoA hydrolase; minus strand). Cytogenetic location: 2q32.2.
Variant type: single nucleotide variant.
Coding change: c.324G>T on transcript NM_014362.4 (MANE Select); coding-DNA position 324, G replaced by T.
Protein change: p.Lys108Asn; replaces lysine 108 with asparagine.
Molecular consequence: missense variant.
Genome position (GRCh38, 1-based): chr2:190,290,466, C>A on the plus strand (G>T on the coding strand, the complement: HIBCH is on the minus strand). VCF-style: chr2-190290466-C-A. GRCh37 (hg19) VCF-style: chr2-191155192-C-A.
Other names: c.324G>T, p.Lys108Asn (NM_198047.3); short protein forms K108N.
Identifiers: ClinVar variation 2170628 (VCV002170628.4), dbSNP rs1389926665, ClinGen allele CA349895796.